The following is an entry in ClinVar:

NM_001035.3(RYR2):c.3153C>T (p.Arg1051=)

Gene: RYR2 (ryanodine receptor 2; plus strand). Cytogenetic location: 1q43.
Variant type: single nucleotide variant.
Coding change: c.3153C>T on transcript NM_001035.3 (MANE Select); coding-DNA position 3153, C replaced by T.
Protein change: p.Arg1051=; no amino-acid change (arginine 1051 retained).
Molecular consequence: synonymous variant.
Genome position (GRCh38, 1-based): chr1:237,550,630, C>T. VCF-style: chr1-237550630-C-T. GRCh37 (hg19) VCF-style: chr1-237713930-C-T.
Identifiers: ClinVar variation 43766 (VCV000043766.27), dbSNP rs397516524, ClinGen allele CA009112.

ClinVar aggregate classification (germline): Conflicting classifications of pathogenicity. Review status: criteria provided, conflicting classifications (1 of 4 stars). 10 submissions from 9 submitters: Uncertain significance (3); Likely benign (7). Last evaluated 2026-06-01.

Conditions:
Cardiovascular phenotype. Identifiers: MedGen CN230736.
Cardiomyopathy (CMYO). Also called: Cardiomyopathies. Identifiers: Orphanet 167848, MedGen C0878544, MONDO:0004994, HP:0001638. Inheritance: Various modes of inheritance.
Catecholaminergic polymorphic ventricular tachycardia 1. Also called: VENTRICULAR TACHYCARDIA, STRESS-INDUCED POLYMORPHIC 1; RYR2-Related Catecholaminergic Polymorphic Ventricular Tachycardia; VENTRICULAR TACHYCARDIA, CATECHOLAMINERGIC POLYMORPHIC, 1, WITH OR WITHOUT ATRIAL DYSFUNCTION AND/OR DILATED CARDIOMYOPATHY. Identifiers: Orphanet 3286, MedGen C1631597, MONDO:0011484, OMIM 604772.
Arrhythmogenic right ventricular dysplasia 2. Identifiers: MedGen C1832931.

Allele frequency attached by ClinVar (database versions not stated): gnomAD exomes 0.00006 and 0.00013; ExAC 0.00011; gnomAD 0.00011 and 0.00013; TOPMed 0.00012.
gnomAD v4.1: 207 of 1,587,318 alleles (0.013%); highest among the groups gnomAD compares: Non-Finnish European, 0.016%; no homozygotes.

Submissions (10):

CeGaT Center for Human Genetics Tuebingen
Classification: Likely benign. Last evaluated: 2026-06-01. Review status: criteria provided, single submitter. Criteria: CeGaT Center For Human Genetics Tuebingen Variant Classification Criteria Version 2. Collection method: clinical testing. Allele origin: germline. Affected: yes. Observed: 1 variant allele.
Comment: RYR2: BP4, BP7

Labcorp Genetics (formerly Invitae), Labcorp
Classification: Likely benign for Catecholaminergic polymorphic ventricular tachycardia 1. Last evaluated: 2025-12-29. Review status: criteria provided, single submitter. Criteria: Invitae Variant Classification Sherloc (09022015). Collection method: clinical testing. Allele origin: germline.

Blueprint Genetics
Classification: Likely benign. Last evaluated: 2024-10-02. Review status: criteria provided, single submitter. Criteria: ACMG Guidelines, 2015. Collection method: clinical testing. Allele origin: germline.

Ambry Genetics
Classification: Likely benign for Cardiovascular phenotype. Last evaluated: 2020-03-20. Review status: criteria provided, single submitter. Criteria: Ambry Variant Classification Scheme 2023. Collection method: clinical testing. Allele origin: germline.

Color Diagnostics, LLC DBA Color Health
Classification: Likely benign for Cardiomyopathy. Last evaluated: 2018-10-08. Review status: criteria provided, single submitter. Criteria: ACMG Guidelines, 2015. Collection method: clinical testing. Allele origin: germline.

Illumina Laboratory Services, Illumina
Classification: Uncertain significance for Catecholaminergic polymorphic ventricular tachycardia 1. Last evaluated: 2018-01-12. Review status: criteria provided, single submitter. Criteria: ICSL Variant Classification Criteria 13 December 2019. Collection method: clinical testing. Allele origin: germline.

Illumina Laboratory Services, Illumina
Classification: Uncertain significance for Catecholaminergic polymorphic ventricular tachycardia 1. Last evaluated: 2018-01-12. Review status: criteria provided, single submitter. Criteria: ICSL Variant Classification Criteria 13 December 2019. Collection method: clinical testing. Allele origin: germline.

CHEO Genetics Diagnostic Laboratory, Children's Hospital of Eastern Ontario
Classification: Uncertain significance for Cardiomyopathy. Last evaluated: 2016-08-16. Review status: criteria provided, single submitter. Criteria: ACMG Guidelines, 2015. Collection method: clinical testing. Allele origin: germline. Study: Canadian Open Genetics Repository.

GeneDx
Classification: Likely benign. Last evaluated: 2016-02-08. Review status: criteria provided, single submitter. Criteria: GeneDx Variant Classification (06012015). Collection method: clinical testing. Allele origin: germline. Affected: yes.
Comment: This variant is considered likely benign or benign based on one or more of the following criteria: it is a conservative change, it occurs at a poorly conserved position in the protein, it is predicted to be benign by multiple in silico algorithms, and/or has population frequency not consistent with disease.

Laboratory for Molecular Medicine, Mass General Brigham Personalized Medicine
Classification: Likely benign. Last evaluated: 2012-07-27. Review status: criteria provided, single submitter. Criteria: LMM Criteria. Collection method: clinical testing. Allele origin: germline. Observed: 1 variant allele.
Comment: Arg1051Arg in exon 27 of RYR2: This variant is not expected to have clinical sig nificance because it does not alter an amino acid residue and is not located wit hin the splice consensus sequence. Arg1051Arg in exon 27 of RYR2 (allele frequ ency = n/a)